The following is an entry in ClinVar:

NM_031935.3(HMCN1):c.15574+4T>A

Gene: HMCN1 (hemicentin 1; plus strand). Cytogenetic location: 1q31.1.
Variant type: single nucleotide variant.
Coding change: c.15574+4T>A on transcript NM_031935.3 (MANE Select); 4 bases into the intron after coding-DNA position 15574, T replaced by A.
Molecular consequence: intron variant.
Genome position (GRCh38, 1-based): chr1:186,166,946, T>A. VCF-style: chr1-186166946-T-A. GRCh37 (hg19) VCF-style: chr1-186136078-T-A.
Identifiers: ClinVar variation 2082937 (VCV002082937.4), dbSNP rs766554940, ClinGen allele CA1295300.

ClinVar aggregate classification (germline): Uncertain significance (1 of 4 stars; one submission).

Allele frequency attached by ClinVar (database versions not stated): ExAC 0.00001.

Submission:

Labcorp Genetics (formerly Invitae), Labcorp
Classification: Uncertain significance. Last evaluated: 2024-11-13. Review status: criteria provided, single submitter. Criteria: Invitae Variant Classification Sherloc (09022015). Collection method: clinical testing. Allele origin: germline.
Comment: This sequence change falls in intron 100 of the HMCN1 gene. It does not directly change the encoded amino acid sequence of the HMCN1 protein. It affects a nucleotide within the consensus splice site. This variant is present in population databases (rs766554940, gnomAD 0.003%). This variant has not been reported in the literature in individuals affected with HMCN1-related conditions. ClinVar contains an entry for this variant (Variation ID: 2082937). Variants that disrupt the consensus splice site are a relatively common cause of aberrant splicing (PMID: 17576681, 9536098). Algorithms developed to predict the effect of sequence changes on RNA splicing suggest that this variant is not likely to affect RNA splicing. In summary, the available evidence is currently insufficient to determine the role of this variant in disease. Therefore, it has been classified as a Variant of Uncertain Significance.

Literature cited by the submitters: PubMed 17576681; PubMed 9536098.